The following is an entry in ClinVar:

ClinVar aggregate classification (germline): Pathogenic/Likely pathogenic. Review status: criteria provided, multiple submitters, no conflicts (2 of 4 stars). 3 submissions from 3 submitters: Pathogenic (1); Likely pathogenic (2). Last evaluated 2026-05-26.

Conditions:
Wolman disease (WOLD). Also called: LAL DEFICIENCY, COMPLETE; CHOLESTEROL ESTER HYDROLASE DEFICIENCY, COMPLETE; Wolman disease with hypolipoproteinemia and acanthocytosis; Wolman disease, CESD; Infantile-Onset LAL-D (Wolman Disease); LYSOSOMAL ACID LIPASE DEFICIENCY, ACUTE INFANTILE. Identifiers: Orphanet 75233, MedGen C0043208, MONDO:0019148, OMIM 620151.
Lysosomal acid lipase deficiency. Also called: Acid cholesteryl ester hydrolase deficiency, type 2. Identifiers: Orphanet 275761, MedGen C5574740, MONDO:0800449, MONDO:0010204.

Allele frequency attached by ClinVar (database versions not stated): gnomAD exomes below 0.00001; TOPMed below 0.00001; ExAC 0.00001; gnomAD 0.00001.
gnomAD v4.1: 7 of 1,612,796 alleles (0.00043%); highest among the groups gnomAD compares: Non-Finnish European, 0.00059%; no homozygotes.

Submissions (3):

Myriad Genetics, Inc.
Classification: Likely pathogenic for Lysosomal acid lipase deficiency. Last evaluated: 2026-05-26. Review status: criteria provided, single submitter. Criteria: Myriad Autosomal Dominant, Autosomal Recessive and X-Linked Classification Criteria (2023). Collection method: clinical testing. Allele origin: unknown.
Comment: NM_000235.2(LIPA):c.455T>C(L152P) is a missense variant classified as likely pathogenic in the context of lysosomal acid lipase deficiency. L152P has been observed in cases with relevant disease (PMID: 24993530, Piccoli_2024_(Abstract)). Relevant functional assessments of this variant are available in the literature (PMID: 31180157). Internal structural analysis of the variant is supportive of pathogenicity. L152P has not been observed in referenced population frequency databases. In summary, NM_000235.2(LIPA):c.455T>C(L152P) is a missense variant that has both functional and internal structural support for pathogenicity and has been observed more frequently in cases with the relevant disease than in healthy populations. Please note: this variant was assessed in the context of healthy population screening.

Labcorp Genetics (formerly Invitae), Labcorp
Classification: Pathogenic for Wolman disease. Last evaluated: 2023-10-19. Review status: criteria provided, single submitter. Criteria: Invitae Variant Classification Sherloc (09022015). Collection method: clinical testing. Allele origin: germline.
Comment: This sequence change replaces leucine, which is neutral and non-polar, with proline, which is neutral and non-polar, at codon 152 of the LIPA protein (p.Leu152Pro). This variant is present in population databases (rs748267444, gnomAD 0.0009%). This missense change has been observed in individual(s) with LAL deficiency (PMID: 24993530, 31180157). In at least one individual the data is consistent with being in trans (on the opposite chromosome) from a pathogenic variant. ClinVar contains an entry for this variant (Variation ID: 695052). Advanced modeling of protein sequence and biophysical properties (such as structural, functional, and spatial information, amino acid conservation, physicochemical variation, residue mobility, and thermodynamic stability) performed at Invitae indicates that this missense variant is expected to disrupt LIPA protein function. Experimental studies have shown that this missense change affects LIPA function (PMID: 31180157). For these reasons, this variant has been classified as Pathogenic.

Alexion, Astrazeneca Rare Disease, Astrazeneca
Classification: Likely pathogenic for Lysosomal acid lipase deficiency. Last evaluated: 2019-06-01. Review status: criteria provided, single submitter. Criteria: ACMG Guidelines, 2015. Collection method: research. Allele origin: germline. Affected: yes.
Comment: ACMG PS3 criterion ascertained by in-vitro functional study, PMID:31180157

Literature cited by the submitters: PubMed 31180157 (cited by 3 submitters); PubMed 24993530 (cited by Labcorp Genetics (formerly Invitae), Labcorp).

NM_000235.4(LIPA):c.455T>C (p.Leu152Pro)

Gene: LIPA (lipase A, lysosomal acid type; minus strand). Cytogenetic location: 10q23.31.
Variant type: single nucleotide variant.
Coding change: c.455T>C on transcript NM_000235.4 (MANE Select); coding-DNA position 455, T replaced by C.
Protein change: p.Leu152Pro; replaces leucine 152 with proline.
Molecular consequence: missense variant.
Genome position (GRCh38, 1-based): chr10:89,226,978, A>G on the plus strand (T>C on the coding strand, the complement: LIPA is on the minus strand). VCF-style: chr10-89226978-A-G. GRCh37 (hg19) VCF-style: chr10-90986735-A-G.
Other names: c.455T>C, p.Leu152Pro (NM_001127605.3); c.107T>C, p.Leu36Pro (NM_001288979.2); short protein forms L36P, L152P.
Identifiers: ClinVar variation 695052 (VCV000695052.10), dbSNP rs748267444, ClinGen allele CA5593715.